The following is an entry in ClinVar:

ClinVar aggregate classification (germline): Uncertain significance (1 of 4 stars; one submission).

Conditions:
Cardiovascular phenotype. Identifiers: MedGen CN230736.

Submission:

Ambry Genetics
Classification: Uncertain significance for Cardiovascular phenotype. Last evaluated: 2022-11-19. Review status: criteria provided, single submitter. Criteria: Ambry Variant Classification Scheme 2023. Collection method: clinical testing. Allele origin: germline.
Comment: The p.I42F variant (also known as c.124A>T), located in coding exon 2 of the MYOZ2 gene, results from an A to T substitution at nucleotide position 124. The isoleucine at codon 42 is replaced by phenylalanine, an amino acid with highly similar properties. This amino acid position is conserved. In addition, this alteration is predicted to be deleterious by in silico analysis. Since supporting evidence is limited at this time, the clinical significance of this alteration remains unclear.

NM_016599.5(MYOZ2):c.124A>T (p.Ile42Phe)

Gene: MYOZ2 (myozenin 2; plus strand). Cytogenetic location: 4q26.
Variant type: single nucleotide variant.
Coding change: c.124A>T on transcript NM_016599.5 (MANE Select); coding-DNA position 124, A replaced by T.
Protein change: p.Ile42Phe; replaces isoleucine 42 with phenylalanine.
Molecular consequence: missense variant.
Genome position (GRCh38, 1-based): chr4:119,150,919, A>T. VCF-style: chr4-119150919-A-T. GRCh37 (hg19) VCF-style: chr4-120072074-A-T.
Other names: short protein forms I42F.
Identifiers: ClinVar variation 2449415 (VCV002449415.2), dbSNP rs1741435053, ClinGen allele CA358203487.